The following is an entry in ClinVar:

NM_000257.4(MYH7):c.2868T>C (p.Asp956=)

Gene: MYH7 (myosin heavy chain 7; minus strand). Cytogenetic location: 14q11.2.
Variant type: single nucleotide variant.
Coding change: c.2868T>C on transcript NM_000257.4 (MANE Select); coding-DNA position 2868, T replaced by C.
Protein change: p.Asp956=; no amino-acid change (aspartic acid 956 retained).
Molecular consequence: synonymous variant.
Genome position (GRCh38, 1-based): chr14:23,423,961, A>G on the plus strand (T>C on the coding strand, the complement: MYH7 is on the minus strand). VCF-style: chr14-23423961-A-G. GRCh37 (hg19) VCF-style: chr14-23893170-A-G.
Other names: c.2868T>C (LRG_384t1).
Identifiers: ClinVar variation 414337 (VCV000414337.21), dbSNP rs140718120, ClinGen allele CA034495.

ClinVar aggregate classification (germline): Conflicting classifications of pathogenicity. Review status: criteria provided, conflicting classifications (1 of 4 stars). 8 submissions from 6 submitters: Uncertain significance (2); Likely benign (5). 1 of the submissions does not count toward it. Last evaluated 2025-07-03.

Conditions:
MYH7-related disorder. Also called: MYH7-related disorders; MYH7-related condition; MYH7-related disease.
Cardiovascular phenotype. Identifiers: MedGen CN230736.
Cardiomyopathy (CMYO). Also called: Cardiomyopathies. Identifiers: Orphanet 167848, MedGen C0878544, MONDO:0004994, HP:0001638. Inheritance: Various modes of inheritance.
Myosin storage myopathy (CMYO7A). Also called: MYOPATHY WITH LYSIS OF TYPE I MYOFIBRILS; SCAPULOPERONEAL MUSCULAR DYSTROPHY; SCAPULOPERONEAL SYNDROME, MYOPATHIC TYPE; MYH7-related late-onset scapuloperoneal muscular dystrophy; Congenital myopathy 7A, myosin storage, autosomal dominant; MYOPATHY, HYALINE BODY, AUTOSOMAL DOMINANT. Identifiers: Orphanet 437572, Orphanet 636965, MedGen C1842160, MONDO:0008409, OMIM 608358.
Hypertrophic cardiomyopathy 1 (CMH1). Also called: Familial hypertrophic cardiomyopathy 1; MYH7-Related Familial Hypertrophic Cardiomyopathy. Identifiers: MedGen C3495498, MONDO:0008647, OMIM 192600.
MYH7-related skeletal myopathy. Also called: Myopathy, distal, 1; Laing early-onset distal myopathy; Laing distal myopathy; MYOPATHY, DISTAL, EARLY-ONSET, AUTOSOMAL DOMINANT; MYOPATHY, LATE DISTAL HEREDITARY. Identifiers: Orphanet 59135, MedGen C4552004, MONDO:0008050, OMIM 160500.
Hypertrophic cardiomyopathy. Also called: HYPERTROPHIC MYOCARDIOPATHY. Identifiers: Orphanet 217569, MedGen C0007194, MeSH D002312, MONDO:0005045, HP:0001639.

Allele frequency attached by ClinVar (database versions not stated): ExAC 0.00002; gnomAD 0.00002; gnomAD exomes 0.00003 and 0.00004; TOPMed 0.00003; ESP Exome Variant Server 0.00015.

Submissions (8):

Labcorp Genetics (formerly Invitae), Labcorp
Classification: Likely benign for Hypertrophic cardiomyopathy. Last evaluated: 2025-07-03. Review status: criteria provided, single submitter. Criteria: Invitae Variant Classification Sherloc (09022015). Collection method: clinical testing. Allele origin: germline.

Ambry Genetics
Classification: Likely benign for Cardiovascular phenotype. Last evaluated: 2023-06-03. Review status: criteria provided, single submitter. Criteria: Ambry Variant Classification Scheme 2023. Collection method: clinical testing. Allele origin: germline.

Color Diagnostics, LLC DBA Color Health
Classification: Likely benign for Cardiomyopathy. Last evaluated: 2019-08-02. Review status: criteria provided, single submitter. Criteria: ACMG Guidelines, 2015. Collection method: clinical testing. Allele origin: germline.

GeneDx
Classification: Likely benign. Last evaluated: 2018-06-05. Review status: criteria provided, single submitter. Criteria: GeneDx Variant Classification (06012015). Collection method: clinical testing. Allele origin: germline. Affected: yes.
Comment: This variant is considered likely benign or benign based on one or more of the following criteria: it is a conservative change, it occurs at a poorly conserved position in the protein, it is predicted to be benign by multiple in silico algorithms, and/or has population frequency not consistent with disease.

Illumina Laboratory Services, Illumina
Classification: Likely benign for MYH7-related skeletal myopathy. Last evaluated: 2018-01-13. Review status: criteria provided, single submitter. Criteria: ICSL Variant Classification Criteria 13 December 2019. Collection method: clinical testing. Allele origin: germline.
Comment: This variant was observed in the ICSL laboratory as part of a predisposition screen in an ostensibly healthy population. It had not been previously curated by ICSL or reported in the Human Gene Mutation Database (HGMD: prior to June 1st, 2018), and was therefore a candidate for classification through an automated scoring system. Utilizing variant allele frequency, disease prevalence and penetrance estimates, and inheritance mode, an automated score was calculated to assess if this variant is too frequent to cause the disease. Based on the score and internal cut-off values, a variant classified as likely benign is not then subjected to further curation. The score for this variant resulted in a classification of likely benign for this disease.

Illumina Laboratory Services, Illumina
Classification: Uncertain significance for Hypertrophic cardiomyopathy 1. Last evaluated: 2018-01-13. Review status: criteria provided, single submitter. Criteria: ICSL Variant Classification Criteria 13 December 2019. Collection method: clinical testing. Allele origin: germline.

Illumina Laboratory Services, Illumina
Classification: Uncertain significance for Myosin storage myopathy. Last evaluated: 2018-01-13. Review status: criteria provided, single submitter. Criteria: ICSL Variant Classification Criteria 13 December 2019. Collection method: clinical testing. Allele origin: germline.

PreventionGenetics, part of Exact Sciences
Classification: Likely benign for MYH7-related condition. Last evaluated: 2020-08-24. Review status: no assertion criteria provided. Collection method: clinical testing. Allele origin: germline. Not counted in ClinVar's aggregate classification.
Comment: This variant is classified as likely benign based on ACMG/AMP sequence variant interpretation guidelines (Richards et al. 2015 PMID: 25741868, with internal and published modifications).